The following is an entry in ClinVar:

ClinVar aggregate classification (germline): Benign (1 of 4 stars; one submission).

Conditions:
Polydactyly of a triphalangeal thumb. Also called: POLYDACTYLY OF TRIPHALANGEAL THUMB; TRIPHALANGEAL THUMB-POLYDACTYLY SYNDROME; Polydactyly, preaxial type II. Identifiers: Orphanet 2439, Orphanet 2950, Orphanet 93336, MedGen C1868114, MONDO:0008270, OMIM 174500.

Allele frequency attached by ClinVar (database versions not stated): gnomAD 0.01589 and 0.01706; TOPMed 0.01842; 1000 Genomes Project 0.01877; 1000 Genomes Project 30x 0.02077.

Submission:

Illumina Laboratory Services, Illumina
Classification: Benign for Polydactyly of a triphalangeal thumb. Last evaluated: 2018-01-12. Review status: criteria provided, single submitter. Criteria: ICSL Variant Classification Criteria 13 December 2019. Collection method: clinical testing. Allele origin: germline.
Comment: This variant was observed in the ICSL laboratory as part of a predisposition screen in an ostensibly healthy population. It had not been previously curated by ICSL or reported in the Human Gene Mutation Database (HGMD: prior to June 1st, 2018), and was therefore a candidate for classification through an automated scoring system. Utilizing variant allele frequency, disease prevalence and penetrance estimates, and inheritance mode, an automated score was calculated to assess if this variant is too frequent to cause the disease. Based on the score and internal cut-off values, a variant classified as benign is not then subjected to further curation. The score for this variant resulted in a classification of benign for this disease.

NM_022458.4(LMBR1):c.*1905C>G

Gene: LMBR1 (limb development membrane protein 1; minus strand). Cytogenetic location: 7q36.3.
Variant type: single nucleotide variant.
Coding change: c.*1905C>G on transcript NM_022458.4 (MANE Select); 1905 bases downstream of the stop codon, C replaced by G.
Molecular consequence: 3 prime UTR variant. On other transcripts: non-coding transcript variant (2).
Genome position (GRCh38, 1-based): chr7:156,682,173, G>C on the plus strand (C>G on the coding strand, the complement: LMBR1 is on the minus strand). VCF-style: chr7-156682173-G-C. GRCh37 (hg19) VCF-style: chr7-156474867-G-C.
Other names: c.*1905C>G (NM_001350953.2, NM_001350954.2, NM_001350955.2 and 8 more transcripts).
Identifiers: ClinVar variation 359393 (VCV000359393.5), dbSNP rs115581794, ClinGen allele CA10628619.